The following is an entry in ClinVar:

NM_004100.5(EYA4):c.1798G>A (p.Val600Ile)

Genes: TARID (TCF21 antisense RNA inducing promoter demethylation; minus strand), EYA4 (EYA transcriptional coactivator and phosphatase 4; plus strand). Cytogenetic location: 6q23.2.
Variant type: single nucleotide variant.
Coding change: c.1798G>A on transcript NM_004100.5 (MANE Select); coding-DNA position 1798, G replaced by A.
Protein change: p.Val600Ile; replaces valine 600 with isoleucine.
Molecular consequence: missense variant. On other transcripts: intron variant (3).
Genome position (GRCh38, 1-based): chr6:133,525,213, G>A. VCF-style: chr6-133525213-G-A. GRCh37 (hg19) VCF-style: chr6-133846351-G-A.
Other names: c.1816G>A, p.Val606Ile (NM_001301013.2); c.1654G>A, p.Val552Ile (NM_001370459.1); c.1729G>A, p.Val577Ile (NM_172103.4); c.1839+98G>A (NM_172105.4); c.1770+98G>A (NM_001370458.1); c.1677+98G>A (NM_001301012.2); short protein forms V600I, V577I, V552I, V606I.
Identifiers: ClinVar variation 2828642 (VCV002828642.3), dbSNP rs1270264437, ClinGen allele CA365700793.

ClinVar aggregate classification (germline): Uncertain significance (1 of 4 stars; one submission).

Conditions:
Dilated cardiomyopathy 1J (CMD1J). Also called: CARDIOMYOPATHY, DILATED, WITH SENSORINEURAL HEARING LOSS, AUTOSOMAL DOMINANT. Identifiers: Orphanet 217622, MedGen C1854368, MONDO:0011541, OMIM 605362.

Allele frequency attached by ClinVar (database versions not stated): gnomAD exomes below 0.00001.
gnomAD v4.1: 2 of 1,613,750 alleles (0.00012%); highest among the groups gnomAD compares: Non-Finnish European, 0.00017%; no homozygotes.

Submission:

Labcorp Genetics (formerly Invitae), Labcorp
Classification: Uncertain significance for Dilated cardiomyopathy 1J. Last evaluated: 2023-01-15. Review status: criteria provided, single submitter. Criteria: Invitae Variant Classification Sherloc (09022015). Collection method: clinical testing. Allele origin: germline.
Comment: In summary, the available evidence is currently insufficient to determine the role of this variant in disease. Therefore, it has been classified as a Variant of Uncertain Significance. Advanced modeling of protein sequence and biophysical properties (such as structural, functional, and spatial information, amino acid conservation, physicochemical variation, residue mobility, and thermodynamic stability) performed at Invitae indicates that this missense variant is expected to disrupt EYA4 protein function. This variant has not been reported in the literature in individuals affected with EYA4-related conditions. This variant is present in population databases (no rsID available, gnomAD 0.0009%). This sequence change replaces valine, which is neutral and non-polar, with isoleucine, which is neutral and non-polar, at codon 600 of the EYA4 protein (p.Val600Ile).